The following is an entry in ClinVar:

ClinVar aggregate classification (germline): Likely benign. Review status: criteria provided, multiple submitters, no conflicts (2 of 4 stars). 3 submissions from 3 submitters: Likely benign (3). Last evaluated 2025-12-07.

Conditions:
SERPINF2-related disorder. Also called: SERPINF2-related condition.

Allele frequency attached by ClinVar (database versions not stated): ESP Exome Variant Server 0.00016; ExAC 0.00035; gnomAD exomes 0.00039 and 0.00058; gnomAD 0.00060 and 0.00061; 1000 Genomes Project 30x 0.00078; 1000 Genomes Project 0.00080.
gnomAD v4.1: 572 of 1,385,308 alleles (0.041%); highest among the groups gnomAD compares: Admixed American, 0.29%; no homozygotes.

Submissions (3):

PreventionGenetics, part of Exact Sciences
Classification: Likely benign for SERPINF2-related condition. Last evaluated: 2025-12-07. Review status: criteria provided, single submitter. Criteria: ACMG Guidelines, 2015. Collection method: clinical testing. Allele origin: germline.
Comment: This variant is classified as likely benign based on ACMG/AMP sequence variant interpretation guidelines (Richards et al. 2015 PMID: 25741868, with internal and published modifications).

Blueprint Genetics
Classification: Likely benign. Last evaluated: 2024-10-15. Review status: criteria provided, single submitter. Criteria: ACMG Guidelines, 2015. Collection method: clinical testing. Allele origin: germline.

Labcorp Genetics (formerly Invitae), Labcorp
Classification: Likely benign. Last evaluated: 2018-12-05. Review status: criteria provided, single submitter. Criteria: Invitae Variant Classification Sherloc (09022015). Collection method: clinical testing. Allele origin: germline.

NM_000934.4(SERPINF2):c.102+5T>G

Gene: SERPINF2 (serpin family F member 2; plus strand). Cytogenetic location: 17p13.3.
Variant type: single nucleotide variant.
Coding change: c.102+5T>G on transcript NM_000934.4 (MANE Select); 5 bases into the intron after coding-DNA position 102, T replaced by G.
Molecular consequence: intron variant.
Genome position (GRCh38, 1-based): chr17:1,745,218, T>G. VCF-style: chr17-1745218-T-G. GRCh37 (hg19) VCF-style: chr17-1648512-T-G.
Other names: c.102+5T>G (NM_001165921.2, NM_001165920.1).
Identifiers: ClinVar variation 710823 (VCV000710823.5), dbSNP rs199686844, ClinGen allele CA8274050.
Genomic context (GRCh38, chr17:1,745,218, plus strand): 5'-CATCCCTTTCTCCACAGTTCTCCCCTGTGAGCGCCATGGAGCCCTTGGGCCGGCAGGTAC[T>G]GGGGAGTGAGGAGCCTGTGATGGGGGGAAGGTCCCGGGGGTCTCACTGGTGGCTTGGGCA-3'